The following is an entry in ClinVar:

NM_198576.4(AGRN):c.4602T>G (p.Ile1534Met)

Gene: AGRN (agrin; plus strand). Cytogenetic location: 1p36.33.
Variant type: single nucleotide variant.
Coding change: c.4602T>G on transcript NM_198576.4 (MANE Select); coding-DNA position 4602, T replaced by G.
Protein change: p.Ile1534Met; replaces isoleucine 1534 with methionine.
Molecular consequence: missense variant.
Genome position (GRCh38, 1-based): chr1:1,049,653, T>G. VCF-style: chr1-1049653-T-G. GRCh37 (hg19) VCF-style: chr1-985033-T-G.
Other names: c.4602T>G, p.Ile1534Met (NM_001305275.2); c.4287T>G, p.Ile1429Met (NM_001364727.2); short protein forms I1429M, I1534M.
Identifiers: ClinVar variation 1059899 (VCV001059899.8), dbSNP rs771367279, ClinGen allele CA509545.

ClinVar aggregate classification (germline): Uncertain significance (1 of 4 stars; one submission).

Conditions:
Congenital myasthenic syndrome 8. Also called: MYASTHENIC SYNDROME, CONGENITAL, DUE TO AGRIN DEFICIENCY; Myasthenic syndrome, congenital, 8, with pre- and postsynaptic defects. Identifiers: Orphanet 590, MedGen C3808739, MONDO:0014052, OMIM 615120.

Allele frequency attached by ClinVar (database versions not stated): gnomAD 0.00001; gnomAD exomes 0.00003 and 0.00006; ExAC 0.00016.

Submission:

Labcorp Genetics (formerly Invitae), Labcorp
Classification: Uncertain significance for Congenital myasthenic syndrome 8. Last evaluated: 2024-09-22. Review status: criteria provided, single submitter. Criteria: Invitae Variant Classification Sherloc (09022015). Collection method: clinical testing. Allele origin: germline.
Comment: This sequence change replaces isoleucine, which is neutral and non-polar, with methionine, which is neutral and non-polar, at codon 1534 of the AGRN protein (p.Ile1534Met). This variant is present in population databases (rs771367279, gnomAD 0.04%). This variant has not been reported in the literature in individuals affected with AGRN-related conditions. ClinVar contains an entry for this variant (Variation ID: 1059899). An algorithm developed to predict the effect of missense changes on protein structure and function (PolyPhen-2) suggests that this variant is likely to be tolerated. In summary, the available evidence is currently insufficient to determine the role of this variant in disease. Therefore, it has been classified as a Variant of Uncertain Significance.